The following is an entry in ClinVar:

NC_000002.12:g.(?_44280696)_(44286177_?)del

Gene: SLC3A1 (solute carrier family 3 member 1; plus strand). Cytogenetic location: 2p21.
Variant type: Deletion.
Identifiers: ClinVar variation 832572 (VCV000832572.3).

ClinVar aggregate classification (germline): Pathogenic (1 of 4 stars; one submission).

Conditions:
Cystinuria (CSNU). Also called: CYSTINURIA, TYPE I; CYSTINURIA, TYPE II; CYSTINURIA, TYPE III; Cystinuria, non-type I. Identifiers: Orphanet 214, MedGen C0010691, MONDO:0009067, OMIM 220100, HP:0003131.

Submission:

Labcorp Genetics (formerly Invitae), Labcorp
Classification: Pathogenic for Cystinuria. Last evaluated: 2019-05-25. Review status: criteria provided, single submitter. Criteria: Invitae Variant Classification Sherloc (09022015). Collection method: clinical testing. Allele origin: germline.
Comment: For these reasons, this variant has been classified as Pathogenic. Loss-of-function variants in SLC3A1 are known to be pathogenic (PMID: 24610330, 25109415, 25964309). This variant has been observed in individuals affected with cystinuria (PMID: 19782624). This variant is an out-of-frame deletion of the genomic region encompassing exons 2-4 of the SLC3A1 gene. This is expected to create a premature translational stop signal and result in an absent or disrupted protein product.

Literature cited by the submitters: PubMed 24610330; PubMed 25109415; PubMed 25964309; PubMed 19782624.